The following is an entry in ClinVar:

NM_000540.3(RYR1):c.2040C>T (p.His680=)

Gene: RYR1 (ryanodine receptor 1; plus strand). Cytogenetic location: 19q13.2.
Variant type: single nucleotide variant.
Coding change: c.2040C>T on transcript NM_000540.3 (MANE Select); coding-DNA position 2040, C replaced by T.
Protein change: p.His680=; no amino-acid change (histidine 680 retained).
Molecular consequence: synonymous variant.
Genome position (GRCh38, 1-based): chr19:38,458,165, C>T. VCF-style: chr19-38458165-C-T. GRCh37 (hg19) VCF-style: chr19-38948805-C-T.
Other names: c.2040C>T, p.His680= (NM_001042723.2).
Identifiers: ClinVar variation 4281491 (VCV004281491.7).

ClinVar aggregate classification (germline): Likely benign (1 of 4 stars; one submission).

Submission:

CeGaT Center for Human Genetics Tuebingen
Classification: Likely benign. Last evaluated: 2025-09-01. Review status: criteria provided, single submitter. Criteria: CeGaT Center For Human Genetics Tuebingen Variant Classification Criteria Version 2. Collection method: clinical testing. Allele origin: germline. Affected: yes. Observed: 1 variant allele.
Comment: RYR1: PM2:Supporting, BP4, BP7